The following is an entry in ClinVar:

ClinVar aggregate classification (germline): Uncertain significance (1 of 4 stars; one submission).

Conditions:
Familial adenomatous polyposis 1 (FAP1). Also called: POLYPOSIS, ADENOMATOUS INTESTINAL; FAMILIAL ADENOMATOUS POLYPOSIS 1, ATTENUATED. Identifiers: MedGen C2713442, MONDO:0021056, OMIM 175100. Disease mechanism: loss of function.

Submission:

Labcorp Genetics (formerly Invitae), Labcorp
Classification: Uncertain significance for Familial adenomatous polyposis 1. Last evaluated: 2019-08-22. Review status: criteria provided, single submitter. Criteria: Invitae Variant Classification Sherloc (09022015). Collection method: clinical testing. Allele origin: germline.
Comment: This variant is not present in population databases (ExAC no frequency). This sequence change replaces glutamic acid with glycine at codon 2263 of the APC protein (p.Glu2263Gly). The glutamic acid residue is highly conserved and there is a moderate physicochemical difference between glutamic acid and glycine. This variant has not been reported in the literature in individuals with APC-related conditions. Algorithms developed to predict the effect of missense changes on protein structure and function are either unavailable or do not agree on the potential impact of this missense change (SIFT: "Deleterious"; PolyPhen-2: "Possibly Damaging"; Align-GVGD: "Class C0"). In summary, the available evidence is currently insufficient to determine the role of this variant in disease. Therefore, it has been classified as a Variant of Uncertain Significance.

NM_000038.6(APC):c.6788A>G (p.Glu2263Gly)

Gene: APC (APC regulator of Wnt signaling pathway; plus strand). Cytogenetic location: 5q22.2.
Variant type: single nucleotide variant.
Coding change: c.6788A>G on transcript NM_000038.6 (MANE Select); coding-DNA position 6788, A replaced by G.
Protein change: p.Glu2263Gly; replaces glutamic acid 2263 with glycine.
Molecular consequence: missense variant.
Genome position (GRCh38, 1-based): chr5:112,842,382, A>G. VCF-style: chr5-112842382-A-G. GRCh37 (hg19) VCF-style: chr5-112178079-A-G.
Other names: c.6788A>G, p.Glu2263Gly (NM_001127510.3, NM_001354895.2); c.6734A>G, p.Glu2245Gly (NM_001127511.3); c.6842A>G, p.Glu2281Gly (NM_001354896.2); c.6818A>G, p.Glu2273Gly (NM_001354897.2); c.6713A>G, p.Glu2238Gly (NM_001354898.2); c.6704A>G, p.Glu2235Gly (NM_001354899.2); c.6665A>G, p.Glu2222Gly (NM_001354900.2); c.6611A>G, p.Glu2204Gly (NM_001354901.2); and 5 more; short protein forms E2172G, E2204G, E2235G, E2238G, E2273G, E1980G, E2103G, E2137G.
Identifiers: ClinVar variation 935377 (VCV000935377.11), dbSNP rs1561610164, ClinGen allele CA16036157.